The following is an entry in ClinVar:

ClinVar aggregate classification (germline): other (0 of 4 stars; one submission).

Conditions:
Familial colorectal cancer. Identifiers: MedGen CN280943, MONDO:0023113. Disease mechanism: loss of function.

Submission:

Systems Biology Platform Zhejiang California International NanoSystems Institute
Classification: other for Familial colorectal cancer. Review status: no assertion criteria provided. Collection method: not provided. Allele origin: unknown.
ClinVar note: Converted during submission from cancer to other.

NM_000038.6(APC):c.1958+632T>C

Gene: APC (APC regulator of WNT signaling pathway; plus strand). Cytogenetic location: 5q22.2.
Variant type: single nucleotide variant.
Coding change: c.1958+632T>C on transcript NM_000038.6 (MANE Select); 632 bases into the intron after coding-DNA position 1958, T replaced by C.
Molecular consequence: intron variant.
Genome position (GRCh38, 1-based): chr5:112,835,797, T>C. VCF-style: chr5-112835797-T-C. GRCh37 (hg19) VCF-style: chr5-112171494-T-C.
Other names: c.1958+632T>C (NM_001354895.2, NM_001127510.3); c.1988+632T>C (NM_001354897.2); c.1685+632T>C (NM_001354902.2); c.1904+632T>C (NM_001127511.3); c.1883+632T>C (NM_001354898.2); c.1580+632T>C (NM_001354904.2); c.1109+632T>C (NM_001354906.2); c.2012+632T>C (NM_001354896.2); and 5 more.
Identifiers: ClinVar variation 82619 (VCV000082619.2), dbSNP rs79823354, ClinGen allele CA006672.